The following is an entry in ClinVar:

NM_001113378.2(FANCI):c.96_98del (p.Leu33del)

Gene: FANCI (FA complementation group I; plus strand). Cytogenetic location: 15q26.1.
Variant type: Deletion.
Coding change: c.96_98del on transcript NM_001113378.2 (MANE Select); coding-DNA positions 96 to 98, 3 bases deleted (CCT; older notation c.96_98delCCT).
Protein change: p.Leu33del; deletes leucine 33.
Molecular consequence: inframe deletion. On other transcripts: 5 prime UTR variant (1).
Genome position (GRCh38, 1-based): chr15:89,258,715-89,258,717, CCT deleted; deleting any 3 consecutive bases within chr15:89,258,713-89,258,717 gives the same sequence; the c. name uses the placement nearest the transcript's 3' end. VCF-style (leftmost placement, unchanged base first): chr15-89258712-TCTC-T. GRCh37 (hg19) VCF-style: chr15-89801943-TCTC-T.
Other names: c.-184_-182del (NM_001376910.1); c.96_98del, p.Leu33del (NM_001376911.1, NM_018193.3); short protein forms L33del.
Identifiers: ClinVar variation 435165 (VCV000435165.11), dbSNP rs747603151, ClinGen allele CA7722494.
Genomic context (GRCh38, chr15:89,258,712, plus strand): 5'-ATTGGGGTAAAAGACTGTTGCCAGAGACTTGTACCTTTTTCTTTCTTTGCAGTTGACTAA[TCTC>T]CTTCAGAATCAAGCAGTGAAAGGAAAAGTTGCTGGAGCACTCCTGAGAGCCATCTTCAAA-3'

ClinVar aggregate classification (germline): Uncertain significance. Review status: criteria provided, multiple submitters, no conflicts (2 of 4 stars). 3 submissions from 3 submitters: Uncertain significance (3). Last evaluated 2024-09-11.

Conditions:
Fanconi anemia (FA). Also called: Fanconi's anemia. Identifiers: Orphanet 84, MedGen C0015625, MeSH D005199, MONDO:0019391.
Fanconi anemia complementation group I (FANCI). Also called: FANCI-Related Fanconi Anemia. Identifiers: Orphanet 84, MedGen C1836861, MONDO:0012186, OMIM 609053.

Submissions (3):

Labcorp Genetics (formerly Invitae), Labcorp
Classification: Uncertain significance for Fanconi anemia. Last evaluated: 2024-09-11. Review status: criteria provided, single submitter. Criteria: Invitae Variant Classification Sherloc (09022015). Collection method: clinical testing. Allele origin: germline.
Comment: This variant, c.96_98del, results in the deletion of 1 amino acid(s) of the FANCI protein (p.Leu33del), but otherwise preserves the integrity of the reading frame. This variant is present in population databases (rs747603151, gnomAD 0.005%). This variant has not been reported in the literature in individuals affected with FANCI-related conditions. ClinVar contains an entry for this variant (Variation ID: 435165). Experimental studies and prediction algorithms are not available or were not evaluated, and the functional significance of this variant is currently unknown. In summary, the available evidence is currently insufficient to determine the role of this variant in disease. Therefore, it has been classified as a Variant of Uncertain Significance.

Fulgent Genetics
Classification: Uncertain significance for Fanconi anemia complementation group I. Last evaluated: 2024-05-22. Review status: criteria provided, single submitter. Criteria: ACMG Guidelines, 2015. Collection method: clinical testing. Allele origin: germline.

Genetic Services Laboratory, University of Chicago
Classification: Uncertain significance. Last evaluated: 2017-05-22. Review status: criteria provided, single submitter. Criteria: ACMG Guidelines, 2015. Collection method: clinical testing. Allele origin: germline. Affected: no.